The following is an entry in ClinVar:

NM_001283009.2(RTEL1):c.850G>T (p.Glu284Ter)

Genes: RTEL1 (regulator of telomere elongation helicase 1; plus strand), RTEL1-TNFRSF6B (RTEL1-TNFRSF6B readthrough (NMD candidate); plus strand). Cytogenetic location: 20q13.33.
Variant type: single nucleotide variant.
Coding change: c.850G>T on transcript NM_001283009.2 (MANE Select); coding-DNA position 850, G replaced by T.
Protein change: p.Glu284Ter; replaces glutamic acid 284 with a stop codon.
Molecular consequence: nonsense. On other transcripts: non-coding transcript variant (1).
Genome position (GRCh38, 1-based): chr20:63,674,024, G>T. VCF-style: chr20-63674024-G-T. GRCh37 (hg19) VCF-style: chr20-62305377-G-T.
Other names: c.181G>T, p.Glu61Ter (NM_001283010.1); c.850G>T, p.Glu284Ter (NM_016434.4); c.922G>T, p.Glu308Ter (NM_032957.5); short protein forms E284*, E308*, E61*.
Identifiers: ClinVar variation 2941651 (VCV002941651.3), dbSNP rs2517039957, ClinGen allele CA409672865.
Genomic context (GRCh38, chr20:63,674,024, plus strand): 5'-TCCTTTGACCTGACTCCCCATGACCTGGCTTCAGGACTGGACGTCATAGACCAGGTGCTG[G>T]AGGAGCAGACCAAGGCAGCGCAGCAGGGTGAGCCCCACCCGGAGTTCAGCGCGGACTCCC-3'

ClinVar aggregate classification (germline): Pathogenic (1 of 4 stars; one submission).

Conditions:
Dyskeratosis congenita, autosomal recessive 5 (DKCB5). Identifiers: MedGen C3554656, MONDO:0014076, OMIM 615190.
Pulmonary fibrosis and/or bone marrow failure, Telomere-related, 3. Also called: PULMONARY FIBROSIS AND/OR BONE MARROW FAILURE SYNDROME, TELOMERE-RELATED, 3. Identifiers: Orphanet 2032, MedGen C4225346, MONDO:0014613, OMIM 616373.

Submission:

Labcorp Genetics (formerly Invitae), Labcorp
Classification: Pathogenic for Dyskeratosis congenita, autosomal recessive 5; Pulmonary fibrosis and/or bone marrow failure, Telomere-related, 3. Last evaluated: 2022-12-18. Review status: criteria provided, single submitter. Criteria: Invitae Variant Classification Sherloc (09022015). Collection method: clinical testing. Allele origin: germline.
Comment: Algorithms developed to predict the effect of sequence changes on RNA splicing suggest that this variant may disrupt the consensus splice site. This variant has not been reported in the literature in individuals affected with RTEL1-related conditions. This variant is not present in population databases (gnomAD no frequency). This sequence change creates a premature translational stop signal (p.Glu284*) in the RTEL1 gene. It is expected to result in an absent or disrupted protein product. Loss-of-function variants in RTEL1 are known to be pathogenic (PMID: 23453664, 23959892, 25607374). For these reasons, this variant has been classified as Pathogenic.

Literature cited by the submitters: PubMed 23453664; PubMed 23959892; PubMed 25607374.